The following is an entry in ClinVar:

NM_000548.5(TSC2):c.3874T>C (p.Ser1292Pro)

Gene: TSC2 (TSC complex subunit 2; plus strand). Cytogenetic location: 16p13.3.
Variant type: single nucleotide variant.
Coding change: c.3874T>C on transcript NM_000548.5 (MANE Select); coding-DNA position 3874, T replaced by C.
Protein change: p.Ser1292Pro; replaces serine 1292 with proline.
Molecular consequence: missense variant. On other transcripts: intron variant (6).
Genome position (GRCh38, 1-based): chr16:2,082,495, T>C. VCF-style: chr16-2082495-T-C. GRCh37 (hg19) VCF-style: chr16-2132496-T-C.
Other names: c.3142T>C, p.Ser1048Pro (NM_001318831.2); c.3742T>C, p.Ser1248Pro (NM_001370404.1); c.3745T>C, p.Ser1249Pro (NM_001370405.1, NM_021055.3); c.3814+697T>C (NM_001114382.3); c.3685+697T>C (NM_001363528.2); c.3682+697T>C (NM_001077183.3); c.3574+697T>C (NM_001318827.2); c.3538+697T>C (NM_001318829.2); and 1 more; short protein forms S1249P, S1048P, S1248P, S1292P.
Identifiers: ClinVar variation 807950 (VCV000807950.22), dbSNP rs1166042912, ClinGen allele CA394295227.

ClinVar aggregate classification (germline): Conflicting classifications of pathogenicity. Review status: criteria provided, conflicting classifications (1 of 4 stars). 2 submissions from 2 submitters: Uncertain significance (1); Benign (1). Last evaluated 2025-02-20.

Conditions:
Hereditary cancer-predisposing syndrome. Also called: Hereditary Cancer Syndrome; Neoplastic Syndromes, Hereditary; Hereditary neoplastic syndrome; Tumor predisposition. Identifiers: Orphanet 140162, MedGen C0027672, MeSH D009386, MONDO:0015356.
Tuberous sclerosis 2 (TSC2). Identifiers: Orphanet 805, MedGen C1860707, MONDO:0013199, OMIM 613254.

Allele frequency attached by ClinVar (database versions not stated): gnomAD exomes below 0.00001.
gnomAD v4.1: 3 of 1,611,894 alleles (0.00019%); highest among the groups gnomAD compares: Non-Finnish European, 0.00025%; no homozygotes.

Submissions (2):

Labcorp Genetics (formerly Invitae), Labcorp
Classification: Benign for Tuberous sclerosis 2. Last evaluated: 2025-02-20. Review status: criteria provided, single submitter. Criteria: Invitae Variant Classification Sherloc (09022015). Collection method: clinical testing. Allele origin: germline.

Ambry Genetics
Classification: Uncertain significance for Hereditary cancer-predisposing syndrome. Last evaluated: 2024-09-04. Review status: criteria provided, single submitter. Criteria: Ambry Variant Classification Scheme 2023. Collection method: clinical testing. Allele origin: germline.
Comment: The p.S1292P variant (also known as c.3874T>C), located in coding exon 31 of the TSC2 gene, results from a T to C substitution at nucleotide position 3874. The serine at codon 1292 is replaced by proline, an amino acid with similar properties. This amino acid position is highly conserved in available vertebrate species. In addition, this alteration is predicted to be deleterious by in silico analysis. Since supporting evidence is limited at this time, the clinical significance of this alteration remains unclear.